The following is an entry in ClinVar:

NM_006431.3(CCT2):c.412A>G (p.Arg138Gly)

Gene: CCT2 (chaperonin containing TCP1 subunit 2; plus strand). Cytogenetic location: 12q15.
Variant type: single nucleotide variant.
Coding change: c.412A>G on transcript NM_006431.3 (MANE Select); coding-DNA position 412, A replaced by G.
Protein change: p.Arg138Gly; replaces arginine 138 with glycine.
Molecular consequence: missense variant.
Genome position (GRCh38, 1-based): chr12:69,588,228, A>G. VCF-style: chr12-69588228-A-G. GRCh37 (hg19) VCF-style: chr12-69982008-A-G.
Other names: c.271A>G, p.Arg91Gly (NM_001198842.2); short protein forms R138G, R91G.
Identifiers: ClinVar variation 962694 (VCV000962694.9), dbSNP rs1881723602, ClinGen allele CA385725106.

ClinVar aggregate classification (germline): Uncertain significance (1 of 4 stars; one submission).

Submission:

Labcorp Genetics (formerly Invitae), Labcorp
Classification: Uncertain significance. Last evaluated: 2019-10-28. Review status: criteria provided, single submitter. Criteria: Invitae Variant Classification Sherloc (09022015). Collection method: clinical testing. Allele origin: germline.
Comment: In summary, the available evidence is currently insufficient to determine the role of this variant in disease. Therefore, it has been classified as a Variant of Uncertain Significance. Algorithms developed to predict the effect of missense changes on protein structure and function (SIFT, PolyPhen-2, Align-GVGD) all suggest that this variant is likely to be tolerated, but these predictions have not been confirmed by published functional studies and their clinical significance is uncertain. This variant has not been reported in the literature in individuals with CCT2-related conditions. This variant is not present in population databases (ExAC no frequency). This sequence change replaces arginine with glycine at codon 138 of the CCT2 protein (p.Arg138Gly). The arginine residue is moderately conserved and there is a moderate physicochemical difference between arginine and glycine.